The following is an entry in ClinVar:

ClinVar aggregate classification (germline): Likely pathogenic (1 of 4 stars; one submission).

Conditions:
ABCB4-related disorder. Also called: ABCB4-related disorders; ABCB4-related condition.

gnomAD v4.1: 1 of 1,610,458 alleles (0.000062%); no homozygotes.

Submission:

PreventionGenetics, part of Exact Sciences
Classification: Likely pathogenic for ABCB4-related condition. Last evaluated: 2026-01-23. Review status: criteria provided, single submitter. Criteria: ACMG Guidelines, 2015. Collection method: clinical testing. Allele origin: germline.
Comment: The ABCB4 c.1005+1G>A variant is predicted to disrupt the GT donor site and interfere with normal splicing. To our knowledge, this variant has not been reported in the literature or in a large population database (gnomAD), indicating this variant is rare. Variants that disrupt the consensus splice donor site in ABCB4 are expected to be pathogenic. This variant is interpreted as likely pathogenic.

NM_000443.4(ABCB4):c.1005+1G>A

Gene: ABCB4 (ATP binding cassette subfamily B member 4; minus strand). Cytogenetic location: 7q21.12.
Variant type: single nucleotide variant.
Coding change: c.1005+1G>A on transcript NM_000443.4 (MANE Select); the canonical splice donor site of the intron after coding-DNA position 1005, G replaced by A.
Molecular consequence: splice donor variant.
Genome position (GRCh38, 1-based): chr7:87,447,033, C>T on the plus strand (G>A on the coding strand, the complement: ABCB4 is on the minus strand). VCF-style: chr7-87447033-C-T. GRCh37 (hg19) VCF-style: chr7-87076349-C-T.
Other names: c.1005+1G>A (NM_018850.3, NM_018849.3).
Identifiers: ClinVar variation 4999109 (VCV004999109.1).